The following is an entry in ClinVar:

ClinVar aggregate classification (germline): Uncertain significance (1 of 4 stars; one submission).

Conditions:
Familial thoracic aortic aneurysm and aortic dissection (TAAD). Also called: Thoracic aortic aneurysms and dissections. Identifiers: Orphanet 91387, MedGen C4707243, MONDO:0019625.
Marfan syndrome (MFS). Also called: FBN1-Related Marfan Syndrome; Marfan's syndrome; MARFAN SYNDROME, TYPE I; Marfan syndrome type 1; Marfan syndrome, classic. Identifiers: Orphanet 284963, Orphanet 558, MedGen C0024796, MONDO:0007947, OMIM 154700.

Allele frequency attached by ClinVar (database versions not stated): gnomAD exomes below 0.00001.
gnomAD v4.1: 1 of 1,613,530 alleles (0.000062%); highest among the groups gnomAD compares: Non-Finnish European, 0.000085%; no homozygotes.

Submission:

Labcorp Genetics (formerly Invitae), Labcorp
Classification: Uncertain significance for Marfan syndrome; Familial thoracic aortic aneurysm and aortic dissection. Last evaluated: 2022-06-13. Review status: criteria provided, single submitter. Criteria: Invitae Variant Classification Sherloc (09022015). Collection method: clinical testing. Allele origin: germline.
Comment: In summary, the available evidence is currently insufficient to determine the role of this variant in disease. Therefore, it has been classified as a Variant of Uncertain Significance. Advanced modeling of protein sequence and biophysical properties (such as structural, functional, and spatial information, amino acid conservation, physicochemical variation, residue mobility, and thermodynamic stability) performed at Invitae indicates that this missense variant is expected to disrupt FBN1 protein function. ClinVar contains an entry for this variant (Variation ID: 857616). This variant has not been reported in the literature in individuals affected with FBN1-related conditions. This variant is not present in population databases (gnomAD no frequency). This sequence change replaces phenylalanine, which is neutral and non-polar, with isoleucine, which is neutral and non-polar, at codon 553 of the FBN1 protein (p.Phe553Ile).

NM_000138.5(FBN1):c.1657T>A (p.Phe553Ile)

Gene: FBN1 (fibrillin 1; minus strand). Cytogenetic location: 15q21.1.
Variant type: single nucleotide variant.
Coding change: c.1657T>A on transcript NM_000138.5 (MANE Select); coding-DNA position 1657, T replaced by A.
Protein change: p.Phe553Ile; replaces phenylalanine 553 with isoleucine.
Molecular consequence: missense variant.
Genome position (GRCh38, 1-based): chr15:48,510,101, A>T on the plus strand (T>A on the coding strand, the complement: FBN1 is on the minus strand). VCF-style: chr15-48510101-A-T. GRCh37 (hg19) VCF-style: chr15-48802298-A-T.
Other names: short protein forms F553I.
Identifiers: ClinVar variation 857616 (VCV000857616.9), dbSNP rs2043746162, ClinGen allele CA392341111.